The following is an entry in ClinVar:

NM_000026.4(ADSL):c.649C>G (p.His217Asp)

Gene: ADSL (adenylosuccinate lyase; plus strand). Cytogenetic location: 22q13.1.
Variant type: single nucleotide variant.
Coding change: c.649C>G on transcript NM_000026.4 (MANE Select); coding-DNA position 649, C replaced by G.
Protein change: p.His217Asp; replaces histidine 217 with aspartic acid.
Molecular consequence: missense variant. On other transcripts: non-coding transcript variant (1).
Genome position (GRCh38, 1-based): chr22:40,359,030, C>G. VCF-style: chr22-40359030-C-G. GRCh37 (hg19) VCF-style: chr22-40755034-C-G.
Other names: p.H217D:CAT>GAT; c.649C>G, p.His217Asp (NM_001123378.3, NM_001363840.3); c.457C>G, p.His153Asp (NM_001317923.2); short protein forms H217D, H153D.
Identifiers: ClinVar variation 197619 (VCV000197619.21), dbSNP rs199761158, ClinGen allele CA245884.

ClinVar aggregate classification (germline): Benign/Likely benign. Review status: criteria provided, multiple submitters, no conflicts (2 of 4 stars). 5 submissions from 5 submitters: Benign (3); Likely benign (1). 1 of the submissions does not count toward it. Last evaluated 2026-02-02.

Conditions:
ADSL-related disorder. Also called: ADSL-related condition.
Adenylosuccinate lyase deficiency (ADSLD). Also called: ADSL DEFICIENCY. Identifiers: Orphanet 46, MedGen C0268126, MONDO:0007068, OMIM 103050.

Allele frequency attached by ClinVar (database versions not stated): 1000 Genomes Project 30x 0.00016; gnomAD exomes 0.00018 and 0.00092; 1000 Genomes Project 0.00020; gnomAD 0.00022 and 0.00024; TOPMed 0.00047; ExAC 0.00075.
gnomAD v4.1: 288 of 1,614,040 alleles (0.018%); highest among the groups gnomAD compares: Admixed American, 0.47%; 3 homozygotes.

Submissions (5):

Labcorp Genetics (formerly Invitae), Labcorp
Classification: Benign for Adenylosuccinate lyase deficiency. Last evaluated: 2026-02-02. Review status: criteria provided, single submitter. Criteria: Invitae Variant Classification Sherloc (09022015). Collection method: clinical testing. Allele origin: germline.

Athena Diagnostics
Classification: Benign. Last evaluated: 2024-10-21. Review status: criteria provided, single submitter. Criteria: Athena Diagnostics Criteria. Collection method: clinical testing. Allele origin: unknown.

GeneDx
Classification: Benign. Last evaluated: 2021-03-30. Review status: criteria provided, single submitter. Criteria: GeneDx Variant Classification Process June 2021. Collection method: clinical testing. Allele origin: germline. Affected: yes.

Eurofins Ntd Llc (ga)
Classification: Likely benign. Last evaluated: 2016-08-31. Review status: criteria provided, single submitter. Criteria: EGL Classification Definitions 2015. Collection method: clinical testing. Allele origin: germline. Observed: 4 variant alleles, 4 heterozygotes.

PreventionGenetics, part of Exact Sciences
Classification: Likely benign for ADSL-related condition. Last evaluated: 2020-09-08. Review status: no assertion criteria provided. Collection method: clinical testing. Allele origin: germline. Not counted in ClinVar's aggregate classification.
Comment: This variant is classified as likely benign based on ACMG/AMP sequence variant interpretation guidelines (Richards et al. 2015 PMID: 25741868, with internal and published modifications).